The following is an entry in ClinVar:

ClinVar aggregate classification (germline): Likely benign (1 of 4 stars; one submission).

Conditions:
Intellectual developmental disorder, autosomal dominant 64. Also called: MENTAL RETARDATION, AUTOSOMAL DOMINANT 64. Identifiers: MedGen C5543067, MONDO:0030934, OMIM 619188.

Submission:

Centre for Medical Genetics,  Mumbai
Classification: Likely benign for Intellectual developmental disorder, autosomal dominant 64. Last evaluated: 2026-03-14. Review status: criteria provided, single submitter. Criteria: ACMG Guidelines, 2015. Collection method: provider interpretation. Allele origin: germline. Inheritance: Autosomal dominant inheritance. Affected: no. Observed: 1 variant allele, 1 heterozygote.
Comment: The variant satisfies PM2 criteria; Extremely low frequency in gnomAD population databases. However, the variant satisfies BS2 criteria.

Literature cited by the submitters: PubMed 31723249.

NM_015021.3(ZNF292):c.4283C>T (p.Ser1428Phe)

Gene: ZNF292 (zinc finger protein 292; plus strand). Cytogenetic location: 6q14.3.
Variant type: single nucleotide variant.
Coding change: c.4283C>T on transcript NM_015021.3 (MANE Select); coding-DNA position 4283, C replaced by T.
Protein change: p.Ser1428Phe; replaces serine 1428 with phenylalanine.
Molecular consequence: missense variant.
Genome position (GRCh38, 1-based): chr6:87,257,912, C>T. VCF-style: chr6-87257912-C-T. GRCh37 (hg19) VCF-style: chr6-87967630-C-T.
Other names: c.3863C>T, p.Ser1288Phe (NM_001351444.2); short protein forms S1288F, S1428F.
Identifiers: ClinVar variation 4819544 (VCV004819544.1).